The following is an entry in ClinVar:

NM_004278.4(PIGL):c.495-65C>G

Gene: PIGL (phosphatidylinositol glycan anchor biosynthesis class L; plus strand). Cytogenetic location: 17p11.2.
Variant type: single nucleotide variant.
Coding change: c.495-65C>G on transcript NM_004278.4 (MANE Select); 65 bases into the intron before coding-DNA position 495, C replaced by G.
Molecular consequence: intron variant.
Genome position (GRCh38, 1-based): chr17:16,316,616, C>G. VCF-style: chr17-16316616-C-G. GRCh37 (hg19) VCF-style: chr17-16219930-C-G.
Identifiers: ClinVar variation 1707129 (VCV001707129.2), dbSNP rs75583749, ClinGen allele CA288212824.

ClinVar aggregate classification (germline): Likely benign (1 of 4 stars; one submission).

Allele frequency attached by ClinVar (database versions not stated): gnomAD 0.00567; ESP Exome Variant Server 0.00613; TOPMed 0.00653; 1000 Genomes Project 30x 0.00718; 1000 Genomes Project 0.00739.
gnomAD v4.1: 1,711 of 1,501,808 alleles (0.11%); highest among the groups gnomAD compares: African/African-American, 2.1%; 21 homozygotes.

Submission:

GeneDx
Classification: Likely benign. Last evaluated: 2021-11-20. Review status: criteria provided, single submitter. Criteria: GeneDx Variant Classification Process June 2021. Collection method: clinical testing. Allele origin: germline. Affected: yes.
Comment: See Variant Classification Assertion Criteria.